The following is an entry in ClinVar:

ClinVar aggregate classification (germline): Uncertain significance (1 of 4 stars; one submission).

Conditions:
Hereditary cancer-predisposing syndrome. Also called: Tumor predisposition; Hereditary neoplastic syndrome; Hereditary Cancer Syndrome; Neoplastic Syndromes, Hereditary. Identifiers: Orphanet 140162, MedGen C0027672, MeSH D009386, MONDO:0015356.

Allele frequency attached by ClinVar (database versions not stated): gnomAD exomes below 0.00001.

Submission:

Ambry Genetics
Classification: Uncertain significance for Hereditary cancer-predisposing syndrome. Last evaluated: 2024-03-13. Review status: criteria provided, single submitter. Criteria: Ambry Variant Classification Scheme 2023. Collection method: clinical testing. Allele origin: germline.
Comment: The p.H389Y variant (also known as c.1165C>T), located in coding exon 4 of the AXIN2 gene, results from a C to T substitution at nucleotide position 1165. The histidine at codon 389 is replaced by tyrosine, an amino acid with similar properties. This amino acid position is conserved. In addition, this alteration is predicted to be tolerated by in silico analysis. Based on the available evidence, the clinical significance of this alteration remains unclear.

NM_004655.4(AXIN2):c.1165C>T (p.His389Tyr)

Gene: AXIN2 (axin 2; minus strand). Cytogenetic location: 17q24.1.
Variant type: single nucleotide variant.
Coding change: c.1165C>T on transcript NM_004655.4 (MANE Select); coding-DNA position 1165, C replaced by T.
Protein change: p.His389Tyr; replaces histidine 389 with tyrosine.
Molecular consequence: missense variant.
Genome position (GRCh38, 1-based): chr17:65,538,238, G>A on the plus strand (C>T on the coding strand, the complement: AXIN2 is on the minus strand). VCF-style: chr17-65538238-G-A. GRCh37 (hg19) VCF-style: chr17-63534356-G-A.
Other names: c.1165C>T, p.His389Tyr (NM_001363813.1); short protein forms H389Y.
Identifiers: ClinVar variation 3224348 (VCV003224348.1), dbSNP rs2544182028, ClinGen allele CA400678250.